The following is an entry in ClinVar:

ClinVar aggregate classification (germline): Likely benign. Review status: criteria provided, single submitter (1 of 4 stars). 2 submissions from 2 submitters: Likely benign (1). 1 of the submissions does not count toward it. Last evaluated 2023-08-31.

Conditions:
IFT172-related disorder. Also called: IFT172-related disorders; IFT172-related condition.
Short-rib thoracic dysplasia 10 with or without polydactyly (SRTD10). Identifiers: Orphanet 474, MedGen C3810175, MONDO:0014284, OMIM 615630.
Retinitis pigmentosa 71 (RP71). Identifiers: Orphanet 791, MedGen C4225342, MONDO:0014618, OMIM 616394.

Allele frequency attached by ClinVar (database versions not stated): TOPMed 0.00002; gnomAD exomes 0.00007; gnomAD 0.00001.
gnomAD v4.1: 98 of 1,614,140 alleles (0.0061%); highest among the groups gnomAD compares: Non-Finnish European, 0.0081%; no homozygotes.

Submissions (2):

Labcorp Genetics (formerly Invitae), Labcorp
Classification: Likely benign for Retinitis pigmentosa 71; Short-rib thoracic dysplasia 10 with or without polydactyly. Last evaluated: 2023-08-31. Review status: criteria provided, single submitter. Criteria: Invitae Variant Classification Sherloc (09022015). Collection method: clinical testing. Allele origin: germline.

PreventionGenetics, part of Exact Sciences
Classification: Likely benign for IFT172-related condition. Last evaluated: 2023-11-06. Review status: no assertion criteria provided. Collection method: clinical testing. Allele origin: germline. Not counted in ClinVar's aggregate classification.
Comment: This variant is classified as likely benign based on ACMG/AMP sequence variant interpretation guidelines (Richards et al. 2015 PMID: 25741868, with internal and published modifications).

NM_015662.3(IFT172):c.4692C>T (p.Leu1564=)

Genes: IFT172 (intraflagellar transport 172; minus strand), KRTCAP3 (keratinocyte associated protein 3; plus strand). Cytogenetic location: 2p23.3.
Variant type: single nucleotide variant.
Coding change: c.4692C>T on transcript NM_015662.3 (MANE Select); coding-DNA position 4692, C replaced by T.
Protein change: p.Leu1564=; no amino-acid change (leucine 1564 retained).
Molecular consequence: synonymous variant. On other transcripts: 3 prime UTR variant (1).
Genome position (GRCh38, 1-based): chr2:27,446,323, G>A on the plus strand (C>T on the coding strand, the complement: IFT172 is on the minus strand). VCF-style: chr2-27446323-G-A. GRCh37 (hg19) VCF-style: chr2-27669190-G-A.
Other names: c.*28G>A (NM_001168364.2); c.4626C>T, p.Leu1542= (NM_001410739.1).
Identifiers: ClinVar variation 2179214 (VCV002179214.6), dbSNP rs953134859, ClinGen allele CA44516420.